The following is an entry in ClinVar:

ClinVar aggregate classification (germline): Pathogenic (1 of 4 stars; one submission).

Conditions:
Hereditary cancer-predisposing syndrome. Also called: Neoplastic Syndromes, Hereditary; Tumor predisposition; Hereditary neoplastic syndrome; Hereditary Cancer Syndrome. Identifiers: Orphanet 140162, MedGen C0027672, MeSH D009386, MONDO:0015356.
Cardiovascular phenotype. Identifiers: MedGen CN230736.

Submission:

Ambry Genetics
Classification: Pathogenic for Cardiovascular phenotype; Hereditary cancer-predisposing syndrome. Last evaluated: 2023-11-20. Review status: criteria provided, single submitter. Criteria: Ambry Variant Classification Scheme 2023. Collection method: clinical testing. Allele origin: germline.
Comment: The c.5518_5523delAATTTAinsG pathogenic mutation, located in coding exon 37 of the NF1 gene, results from the deletion of 6 nucleotides and insertion of one nucleotide causing a translational frameshift with a predicted alternate stop codon (p.N1840Gfs*4). This alteration is expected to result in loss of function by premature protein truncation or nonsense-mediated mRNA decay. As such, this alteration is interpreted as a disease-causing mutation.

NM_001042492.3(NF1):c.5581_5586delinsG (p.Asn1861fs)

Gene: NF1 (neurofibromin 1; plus strand). Cytogenetic location: 17q11.2.
Variant type: Indel.
Coding change: c.5581_5586delinsG on transcript NM_001042492.3 (MANE Select); coding-DNA positions 5581 to 5586, AATTTA replaced by G.
Protein change: p.Asn1861fs; shifts the reading frame from asparagine 1861.
Molecular consequence: frameshift variant.
Genome position (GRCh38, 1-based): chr17:31,327,811-31,327,816, AATTTA replaced by G. VCF-style: chr17-31327811-AATTTA-G. GRCh37 (hg19) VCF-style: chr17-29654829-AATTTA-G.
Other names: c.5518_5523delAATTTAinsG (NM_000267.3); c.5518_5523delAATTTAinsG, p.Asn1840Glyfs (NM_000267.4); short protein forms N1840fs, N1861fs.
Identifiers: ClinVar variation 3237835 (VCV003237835.1), dbSNP rs2508708367.